The following is an entry in ClinVar:

ClinVar aggregate classification (germline): Uncertain significance (1 of 4 stars; one submission).

Submission:

GeneDx
Classification: Uncertain significance. Last evaluated: 2024-05-09. Review status: criteria provided, single submitter. Criteria: GeneDx Variant Classification Process June 2021. Collection method: clinical testing. Allele origin: germline. Affected: yes.
Comment: Not observed at significant frequency in large population cohorts (gnomAD); In silico analysis indicates that this variant does not alter splicing; Has not been previously published as pathogenic or benign to our knowledge

NM_001195518.2(MICU1):c.661A>C (p.Arg221=)

Gene: MICU1 (mitochondrial calcium uptake 1; minus strand). Cytogenetic location: 10q22.1.
Variant type: single nucleotide variant.
Coding change: c.661A>C on transcript NM_001195518.2 (MANE Select); coding-DNA position 661, A replaced by C.
Protein change: p.Arg221=; no amino-acid change (arginine 221 retained).
Molecular consequence: synonymous variant.
Genome position (GRCh38, 1-based): chr10:72,477,248, T>G on the plus strand (A>C on the coding strand, the complement: MICU1 is on the minus strand). VCF-style: chr10-72477248-T-G. GRCh37 (hg19) VCF-style: chr10-74237006-T-G.
Other names: c.67A>C, p.Arg23= (NM_001195519.2); c.679A>C, p.Arg227= (NM_001363513.2); c.667A>C, p.Arg223= (NM_006077.4).
Identifiers: ClinVar variation 3375620 (VCV003375620.1).